The following is an entry in ClinVar:

ClinVar aggregate classification (germline): Uncertain significance (1 of 4 stars; one submission).

Submission:

GeneDx
Classification: Uncertain significance. Last evaluated: 2022-05-23. Review status: criteria provided, single submitter. Criteria: GeneDx Variant Classification Process June 2021. Collection method: clinical testing. Allele origin: germline. Affected: yes.
Comment: Not observed at significant frequency in large population cohorts (gnomAD); Missense variants in this gene are often considered pathogenic (HGMD); In silico analysis supports that this missense variant has a deleterious effect on protein structure/function; Has not been previously published as pathogenic or benign to our knowledge

NM_006086.4(TUBB3):c.418G>T (p.Gly140Trp)

Gene: TUBB3 (tubulin beta 3 class III; plus strand). Cytogenetic location: 16q24.3.
Variant type: single nucleotide variant.
Coding change: c.418G>T on transcript NM_006086.4 (MANE Select); coding-DNA position 418, G replaced by T.
Protein change: p.Gly140Trp; replaces glycine 140 with tryptophan.
Molecular consequence: missense variant.
Genome position (GRCh38, 1-based): chr16:89,934,869, G>T. VCF-style: chr16-89934869-G-T. GRCh37 (hg19) VCF-style: chr16-90001277-G-T.
Other names: c.202G>T, p.Gly68Trp (NM_001197181.2); short protein forms G140W, G68W.
Identifiers: ClinVar variation 1800969 (VCV001800969.1), dbSNP rs2544627232, ClinGen allele CA397474463.
Genomic context (GRCh38, chr16:89,934,869, plus strand): 5'-GTGCGGAAGGAGTGTGAAAACTGCGACTGCCTGCAGGGCTTCCAGCTGACCCACTCGCTG[G>T]GGGGCGGCACGGGCTCCGGCATGGGCACGTTGCTCATCAGCAAGGTGCGTGAGGAGTATC-3'
Protein context (NP_006077.2, residues 130-150): LQGFQLTHSL[Gly140Trp]GGTGSGMGTL